The following is an entry in ClinVar:

NM_181507.2(HPS5):c.370C>T (p.Arg124Ter)

Genes: HPS5 (HPS5 biogenesis of lysosomal organelles complex 2 subunit 2; minus strand), LOC130005404 (ATAC-STARR-seq lymphoblastoid active region 4495; plus strand). Cytogenetic location: 11p15.1.
Variant type: single nucleotide variant.
Coding change: c.370C>T on transcript NM_181507.2 (MANE Select); coding-DNA position 370, C replaced by T.
Protein change: p.Arg124Ter; replaces arginine 124 with a stop codon.
Molecular consequence: nonsense.
Genome position (GRCh38, 1-based): chr11:18,310,848, G>A on the plus strand (C>T on the coding strand, the complement: HPS5 is on the minus strand). VCF-style: chr11-18310848-G-A. GRCh37 (hg19) VCF-style: chr11-18332395-G-A.
Other names: c.28C>T, p.Arg10Ter (NM_007216.4, NM_181508.2); short protein forms R10*, R124*.
Identifiers: ClinVar variation 1695385 (VCV001695385.5), dbSNP rs577034676, ClinGen allele CA5910448.

ClinVar aggregate classification (germline): Pathogenic/Likely pathogenic. Review status: criteria provided, multiple submitters, no conflicts (2 of 4 stars). 3 submissions from 3 submitters: Pathogenic (1); Likely pathogenic (1). 1 of the submissions does not count toward it. Last evaluated 2025-05-30.

Conditions:
HPS5-related disorder. Also called: HPS5-related condition.
Hermansky-Pudlak syndrome 5 (HPS5). Identifiers: Orphanet 231512, Orphanet 79430, MedGen C3888004, MONDO:0013557, OMIM 614074.

Allele frequency attached by ClinVar (database versions not stated): ExAC 0.00002; gnomAD exomes 0.00002; TOPMed 0.00002; gnomAD 0.00003 and 0.00004; 1000 Genomes Project 30x 0.00016; 1000 Genomes Project 0.00020.
gnomAD v4.1: 50 of 1,613,232 alleles (0.0031%); highest among the groups gnomAD compares: East Asian, 0.0045%; no homozygotes.

Submissions (3):

PreventionGenetics, part of Exact Sciences
Classification: Likely pathogenic for HPS5-related condition. Last evaluated: 2025-05-30. Review status: criteria provided, single submitter. Criteria: ACMG Guidelines, 2015. Collection method: clinical testing. Allele origin: germline.
Comment: The HPS5 c.370C>T variant is predicted to result in premature protein termination (p.Arg124*). To our knowledge, this variant has not been reported in the literature. This variant is present in 0.0040% of alleles in individuals of African descent in gnomAD. Nonsense variants in HPS5 are an established mechanism of disease. This variant is interpreted as likely pathogenic.

Labcorp Genetics (formerly Invitae), Labcorp
Classification: Pathogenic. Last evaluated: 2023-07-19. Review status: criteria provided, single submitter. Criteria: Invitae Variant Classification Sherloc (09022015). Collection method: clinical testing. Allele origin: germline.
Comment: For these reasons, this variant has been classified as Pathogenic. ClinVar contains an entry for this variant (Variation ID: 1695385). This variant has not been reported in the literature in individuals affected with HPS5-related conditions. This variant is present in population databases (rs577034676, gnomAD 0.004%). This sequence change creates a premature translational stop signal (p.Arg124*) in the HPS5 gene. It is expected to result in an absent or disrupted protein product. Loss-of-function variants in HPS5 are known to be pathogenic (PMID: 12548288, 15296495, 21833017, 26785811).

ISTH-SSC Genomics in Thrombosis and Hemostasis, KU Leuven, Center for Molecular and Vascular Biology
Classification: Uncertain significance for Hermansky-Pudlak syndrome 5. Review status: no assertion criteria provided. Collection method: research. Allele origin: unknown. Affected: yes. Not counted in ClinVar's aggregate classification.
Comment: Submitted to GoldVariant by Dr Marie-Christine Morel-Kopp from Northern Blood Research Centre, Sydney, Australia

Literature cited by the submitters: PubMed 12548288 (cited by Labcorp Genetics (formerly Invitae), Labcorp); PubMed 15296495 (cited by Labcorp Genetics (formerly Invitae), Labcorp); PubMed 21833017 (cited by Labcorp Genetics (formerly Invitae), Labcorp); PubMed 26785811 (cited by Labcorp Genetics (formerly Invitae), Labcorp).